The following is an entry in ClinVar:

ClinVar aggregate classification (germline): Uncertain significance (1 of 4 stars; one submission).

Conditions:
Immunodeficiency 39 (IMD39). Identifiers: Orphanet 574918, MedGen C4225358, MONDO:0014597, OMIM 616345.

Allele frequency attached by ClinVar (database versions not stated): gnomAD exomes below 0.00001; gnomAD 0.00001.

Submission:

Labcorp Genetics (formerly Invitae), Labcorp
Classification: Uncertain significance for Immunodeficiency 39. Last evaluated: 2019-02-12. Review status: criteria provided, single submitter. Criteria: Invitae Variant Classification Sherloc (09022015). Collection method: clinical testing. Allele origin: germline.
Comment: In summary, the available evidence is currently insufficient to determine the role of this variant in disease. Therefore, it has been classified as a Variant of Uncertain Significance. Algorithms developed to predict the effect of missense changes on protein structure and function output the following: SIFT: "Tolerated"; PolyPhen-2: "Benign"; Align-GVGD: "Class C0". The asparagine amino acid residue is found in multiple mammalian species, suggesting that this missense change does not adversely affect protein function. These predictions have not been confirmed by published functional studies and their clinical significance is uncertain. This variant has not been reported in the literature in individuals with IRF7-related conditions. This variant is not present in population databases (ExAC no frequency). This sequence change replaces aspartic acid with asparagine at codon 150 of the IRF7 protein (p.Asp150Asn). The aspartic acid residue is weakly conserved and there is a small physicochemical difference between aspartic acid and asparagine.

NM_001572.5(IRF7):c.409G>A (p.Asp137Asn)

Gene: IRF7 (interferon regulatory factor 7; minus strand). Cytogenetic location: 11p15.5.
Variant type: single nucleotide variant.
Coding change: c.409G>A on transcript NM_001572.5 (MANE Select); coding-DNA position 409, G replaced by A.
Protein change: p.Asp137Asn; replaces aspartic acid 137 with asparagine.
Molecular consequence: missense variant.
Genome position (GRCh38, 1-based): chr11:614,520, C>T on the plus strand (G>A on the coding strand, the complement: IRF7 is on the minus strand). VCF-style: chr11-614520-C-T. GRCh37 (hg19) VCF-style: chr11-614520-C-T.
Other names: c.409G>A, p.Asp137Asn (NM_004029.4); c.448G>A, p.Asp150Asn (NM_004031.4); short protein forms D137N, D150N.
Identifiers: ClinVar variation 847977 (VCV000847977.9), dbSNP rs1386047912, ClinGen allele CA378982667.
Genomic context (GRCh38, chr11:614,520, plus strand): 5'-GCAGAGAGAAGGGTACCTGTGGTGGTGGGACAGCTGCGGGGGCCTCTGCCTCAGTCTGGT[C>T]CGTGCCTGGGCCTTCTGAGAGAGAATGGGGCAGGCGTTAGGCCCCGACACCAGAGTGAGA-3'
Protein context (NP_001563.2, residues 127-147): ELCWREGPGT[Asp137Asn]QTEAEAPAAV